The following is an entry in ClinVar:

ClinVar aggregate classification (germline): Conflicting classifications of pathogenicity. Review status: criteria provided, conflicting classifications (1 of 4 stars). 3 submissions from 3 submitters: Uncertain significance (2); Benign (1). Last evaluated 2025-11-09.

Conditions:
Hereditary cancer-predisposing syndrome. Also called: Neoplastic Syndromes, Hereditary; Tumor predisposition; Hereditary neoplastic syndrome; Hereditary Cancer Syndrome. Identifiers: Orphanet 140162, MedGen C0027672, MeSH D009386, MONDO:0015356.
Hereditary nonpolyposis colorectal neoplasms. Identifiers: MedGen C0009405, MeSH D003123.

Allele frequency attached by ClinVar (database versions not stated): gnomAD 0.00001; TOPMed 0.00002.

Submissions (3):

Labcorp Genetics (formerly Invitae), Labcorp
Classification: Benign for Hereditary nonpolyposis colorectal neoplasms. Last evaluated: 2025-11-09. Review status: criteria provided, single submitter. Criteria: Invitae Variant Classification Sherloc (09022015). Collection method: clinical testing. Allele origin: germline.

Ambry Genetics
Classification: Uncertain significance for Hereditary cancer-predisposing syndrome. Last evaluated: 2023-12-27. Review status: criteria provided, single submitter. Criteria: Ambry Variant Classification Scheme 2023. Collection method: clinical testing. Allele origin: germline.
Comment: The p.V294G variant (also known as c.881T>G), located in coding exon 4 of the MSH6 gene, results from a T to G substitution at nucleotide position 881. The valine at codon 294 is replaced by glycine, an amino acid with dissimilar properties. This amino acid position is not well conserved in available vertebrate species. In addition, this alteration is predicted to be tolerated by in silico analysis. Since supporting evidence is limited at this time, the clinical significance of this alteration remains unclear.

GeneDx
Classification: Uncertain significance. Last evaluated: 2022-06-21. Review status: criteria provided, single submitter. Criteria: GeneDx Variant Classification Process June 2021. Collection method: clinical testing. Allele origin: germline. Affected: yes.
Comment: Not observed at significant frequency in large population cohorts (gnomAD); In silico analysis supports that this missense variant has a deleterious effect on protein structure/function; Has not been previously published as pathogenic or benign to our knowledge; This variant is associated with the following publications: (PMID: 21437237)

NM_000179.3(MSH6):c.881T>G (p.Val294Gly)

Gene: MSH6 (mutS homolog 6; plus strand). Cytogenetic location: 2p16.3.
Variant type: single nucleotide variant.
Coding change: c.881T>G on transcript NM_000179.3 (MANE Select); coding-DNA position 881, T replaced by G.
Protein change: p.Val294Gly; replaces valine 294 with glycine.
Molecular consequence: missense variant. On other transcripts: 5 prime UTR variant (2).
Genome position (GRCh38, 1-based): chr2:47,798,864, T>G. VCF-style: chr2-47798864-T-G. GRCh37 (hg19) VCF-style: chr2-48026003-T-G.
Other names: c.491T>G, p.Val164Gly (NM_001281492.2); c.-26T>G (NM_001281493.2, NM_001281494.2); short protein forms V294G, V164G.
Identifiers: ClinVar variation 580321 (VCV000580321.15), dbSNP rs1482153450, ClinGen allele CA346740669.